The following is an entry in ClinVar:

NM_001710.6(CFB):c.1216C>T (p.Arg406Trp)

Gene: CFB (complement factor B; plus strand). Cytogenetic location: 6p21.33.
Variant type: single nucleotide variant.
Coding change: c.1216C>T on transcript NM_001710.6 (MANE Select); coding-DNA position 1216, C replaced by T.
Protein change: p.Arg406Trp; replaces arginine 406 with tryptophan.
Molecular consequence: missense variant.
Genome position (GRCh38, 1-based): chr6:31,949,290, C>T. VCF-style: chr6-31949290-C-T. GRCh37 (hg19) VCF-style: chr6-31917067-C-T.
Other names: short protein forms R406W.
Identifiers: ClinVar variation 4768144 (VCV004768144.1).

ClinVar aggregate classification (germline): Uncertain significance (1 of 4 stars; one submission).

gnomAD v4.1: 17 of 1,614,016 alleles (0.0011%); highest among the groups gnomAD compares: African/African-American, 0.011%; no homozygotes.

Submission:

Labcorp Genetics (formerly Invitae), Labcorp
Classification: Uncertain significance. Last evaluated: 2025-04-11. Review status: criteria provided, single submitter. Criteria: Invitae Variant Classification Sherloc (09022015). Collection method: clinical testing. Allele origin: germline.
Comment: This sequence change replaces arginine, which is basic and polar, with tryptophan, which is neutral and slightly polar, at codon 406 of the CFB protein (p.Arg406Trp). This variant is present in population databases (rs768046041, gnomAD 0.008%). This variant has not been reported in the literature in individuals affected with CFB-related conditions. Invitae Evidence Modeling of protein sequence and biophysical properties (such as structural, functional, and spatial information, amino acid conservation, physicochemical variation, residue mobility, and thermodynamic stability) indicates that this missense variant is expected to disrupt CFB protein function with a positive predictive value of 80%. In summary, the available evidence is currently insufficient to determine the role of this variant in disease. Therefore, it has been classified as a Variant of Uncertain Significance.